The following is an entry in ClinVar:

NM_001105206.3(LAMA4):c.1123A>G (p.Met375Val)

Gene: LAMA4 (laminin subunit alpha 4; minus strand). Cytogenetic location: 6q21.
Variant type: single nucleotide variant.
Coding change: c.1123A>G on transcript NM_001105206.3 (MANE Select); coding-DNA position 1123, A replaced by G.
Protein change: p.Met375Val; replaces methionine 375 with valine.
Molecular consequence: missense variant.
Genome position (GRCh38, 1-based): chr6:112,178,187, T>C on the plus strand (A>G on the coding strand, the complement: LAMA4 is on the minus strand). VCF-style: chr6-112178187-T-C. GRCh37 (hg19) VCF-style: chr6-112499389-T-C.
Other names: c.1102A>G, p.Met368Val (NM_001105207.3, NM_002290.5); short protein forms M375V, M368V.
Identifiers: ClinVar variation 3716427 (VCV003716427.3).

ClinVar aggregate classification (germline): Uncertain significance. Review status: criteria provided, multiple submitters, no conflicts (2 of 4 stars). 2 submissions from 2 submitters: Uncertain significance (2). Last evaluated 2025-04-12.

Conditions:
Dilated cardiomyopathy 1JJ (CMD1JJ). Identifiers: Orphanet 154, MedGen C3808935, MONDO:0014095, OMIM 615235.
Cardiovascular phenotype. Identifiers: MedGen CN230736.

gnomAD v4.1: 3 of 1,613,912 alleles (0.00019%); highest among the groups gnomAD compares: African/African-American, 0.0027%; no homozygotes.

Submissions (2):

Ambry Genetics
Classification: Uncertain significance for Cardiovascular phenotype. Last evaluated: 2025-04-12. Review status: criteria provided, single submitter. Criteria: Ambry Variant Classification Scheme 2023. Collection method: clinical testing. Allele origin: germline.

Labcorp Genetics (formerly Invitae), Labcorp
Classification: Uncertain significance for Dilated cardiomyopathy 1JJ. Last evaluated: 2024-05-01. Review status: criteria provided, single submitter. Criteria: Invitae Variant Classification Sherloc (09022015). Collection method: clinical testing. Allele origin: germline.
Comment: This sequence change replaces methionine, which is neutral and non-polar, with valine, which is neutral and non-polar, at codon 368 of the LAMA4 protein (p.Met368Val). This variant is not present in population databases (gnomAD no frequency). This variant has not been reported in the literature in individuals affected with LAMA4-related conditions. Algorithms developed to predict the effect of missense changes on protein structure and function output the following: SIFT: "Not Available"; PolyPhen-2: "Benign"; Align-GVGD: "Not Available". The valine amino acid residue is found in multiple mammalian species, which suggests that this missense change does not adversely affect protein function. In summary, the available evidence is currently insufficient to determine the role of this variant in disease. Therefore, it has been classified as a Variant of Uncertain Significance.